The following is an entry in ClinVar:

NM_015047.3(EMC1):c.553G>A (p.Val185Met)

Gene: EMC1 (ER membrane protein complex subunit 1; minus strand). Cytogenetic location: 1p36.13.
Variant type: single nucleotide variant.
Coding change: c.553G>A on transcript NM_015047.3 (MANE Select); coding-DNA position 553, G replaced by A.
Protein change: p.Val185Met; replaces valine 185 with methionine.
Molecular consequence: missense variant.
Genome position (GRCh38, 1-based): chr1:19,241,099, C>T on the plus strand (G>A on the coding strand, the complement: EMC1 is on the minus strand). VCF-style: chr1-19241099-C-T. GRCh37 (hg19) VCF-style: chr1-19567593-C-T.
Other names: c.553G>A, p.Val185Met (NM_001271427.2, NM_001271428.2, NM_001375820.1 and 1 more transcripts); c.487G>A, p.Val163Met (NM_001271429.2); short protein forms V185M, V163M.
Identifiers: ClinVar variation 3647125 (VCV003647125.2).
Genomic context (GRCh38, chr1:19,241,099, plus strand): 5'-CCACATTAAACTTGACAATGTTCACATGGCTGAAGGGAACAACTCCGAGGGCCCACACCA[C>T]CCCAGAGCCGTAAGAATACACCATCTGGTAGTGGATGCTGTCACTAAGAGAGGGAAGAAG-3'
Protein context (NP_055862.1, residues 175-195): YQMVYSYGSG[Val185Met]VWALGVVPFS

ClinVar aggregate classification (germline): Uncertain significance (1 of 4 stars; one submission).

gnomAD v4.1: 1 of 1,614,188 alleles (0.000062%); highest among the groups gnomAD compares: Non-Finnish European, 0.000085%; no homozygotes.

Submission:

Labcorp Genetics (formerly Invitae), Labcorp
Classification: Uncertain significance. Last evaluated: 2024-03-21. Review status: criteria provided, single submitter. Criteria: Invitae Variant Classification Sherloc (09022015). Collection method: clinical testing. Allele origin: germline.
Comment: This sequence change replaces valine, which is neutral and non-polar, with methionine, which is neutral and non-polar, at codon 185 of the EMC1 protein (p.Val185Met). This variant is not present in population databases (gnomAD no frequency). This variant has not been reported in the literature in individuals affected with EMC1-related conditions. Advanced modeling of protein sequence and biophysical properties (such as structural, functional, and spatial information, amino acid conservation, physicochemical variation, residue mobility, and thermodynamic stability) performed at Invitae indicates that this missense variant is not expected to disrupt EMC1 protein function with a negative predictive value of 80%. In summary, the available evidence is currently insufficient to determine the role of this variant in disease. Therefore, it has been classified as a Variant of Uncertain Significance.